The following is an entry in ClinVar:

ClinVar aggregate classification (germline): Benign (1 of 4 stars; one submission).

Allele frequency attached by ClinVar (database versions not stated): gnomAD 0.28028; TOPMed 0.28953; 1000 Genomes Project 0.35683; 1000 Genomes Project 30x 0.35134.
gnomAD v4.1: 43,934 of 152,118 alleles (29%); highest among the groups gnomAD compares: East Asian, 59%; 6,752 homozygotes.

Submission:

GeneDx
Classification: Benign. Last evaluated: 2018-06-19. Review status: criteria provided, single submitter. Criteria: GeneDx Variant Classification (06012015). Collection method: clinical testing. Allele origin: germline. Affected: yes.
Comment: This variant is considered likely benign or benign based on one or more of the following criteria: it is a conservative change, it occurs at a poorly conserved position in the protein, it is predicted to be benign by multiple in silico algorithms, and/or has population frequency not consistent with disease.

NM_000512.5(GALNS):c.566+234G>T

Gene: GALNS (galactosamine (N-acetyl)-6-sulfatase; minus strand). Cytogenetic location: 16q24.3.
Variant type: single nucleotide variant.
Coding change: c.566+234G>T on transcript NM_000512.5 (MANE Select); 234 bases into the intron after coding-DNA position 566, G replaced by T.
Molecular consequence: intron variant.
Genome position (GRCh38, 1-based): chr16:88,837,388, C>A on the plus strand (G>T on the coding strand, the complement: GALNS is on the minus strand). VCF-style: chr16-88837388-C-A. GRCh37 (hg19) VCF-style: chr16-88903796-C-A.
Other names: c.11+234G>T (NM_001323543.2); c.584+234G>T (NM_001323544.2).
Identifiers: ClinVar variation 684011 (VCV000684011.1), dbSNP rs3784884, ClinGen allele CA14305878.